The following is an entry in ClinVar:

ClinVar aggregate classification (germline): Uncertain significance (1 of 4 stars; one submission).

Conditions:
Dystonic disorder. Also called: Dystonia. Identifiers: MedGen C0013421, MONDO:0003441, HP:0001332.

Submission:

Labcorp Genetics (formerly Invitae), Labcorp
Classification: Uncertain significance for Dystonic disorder. Last evaluated: 2024-08-19. Review status: criteria provided, single submitter. Criteria: Invitae Variant Classification Sherloc (09022015). Collection method: clinical testing. Allele origin: germline.
Comment: This sequence change replaces cysteine, which is neutral and slightly polar, with serine, which is neutral and polar, at codon 234 of the SPR protein (p.Cys234Ser). This variant is present in population databases (rs368521364, gnomAD 0.0009%). This variant has not been reported in the literature in individuals affected with SPR-related conditions. ClinVar contains an entry for this variant (Variation ID: 2198834). Invitae Evidence Modeling of protein sequence and biophysical properties (such as structural, functional, and spatial information, amino acid conservation, physicochemical variation, residue mobility, and thermodynamic stability) indicates that this missense variant is not expected to disrupt SPR protein function with a negative predictive value of 80%. In summary, the available evidence is currently insufficient to determine the role of this variant in disease. Therefore, it has been classified as a Variant of Uncertain Significance.

NM_003124.5(SPR):c.701G>C (p.Cys234Ser)

Gene: SPR (sepiapterin reductase; plus strand). Cytogenetic location: 2p13.2.
Variant type: single nucleotide variant.
Coding change: c.701G>C on transcript NM_003124.5 (MANE Select); coding-DNA position 701, G replaced by C.
Protein change: p.Cys234Ser; replaces cysteine 234 with serine.
Molecular consequence: missense variant.
Genome position (GRCh38, 1-based): chr2:72,891,452, G>C. VCF-style: chr2-72891452-G-C. GRCh37 (hg19) VCF-style: chr2-73118581-G-C.
Other names: short protein forms C234S.
Identifiers: ClinVar variation 2198834 (VCV002198834.3), dbSNP rs368521364, ClinGen allele CA1709021.